The following is an entry in ClinVar:

ClinVar aggregate classification (germline): Uncertain significance (1 of 4 stars; one submission).

Conditions:
Tuberous sclerosis 2 (TSC2). Identifiers: Orphanet 805, MedGen C1860707, MONDO:0013199, OMIM 613254.

gnomAD v4.1: 3 of 1,611,754 alleles (0.00019%); highest among the groups gnomAD compares: South Asian, 0.0011%; no homozygotes.

Submission:

Labcorp Genetics (formerly Invitae), Labcorp
Classification: Uncertain significance for Tuberous sclerosis 2. Last evaluated: 2024-11-24. Review status: criteria provided, single submitter. Criteria: Invitae Variant Classification Sherloc (09022015). Collection method: clinical testing. Allele origin: germline.
Comment: This sequence change falls in intron 31 of the TSC2 gene. It does not directly change the encoded amino acid sequence of the TSC2 protein. It affects a nucleotide within the consensus splice site. This variant is present in population databases (rs749976169, gnomAD 0.007%). This variant has not been reported in the literature in individuals affected with TSC2-related conditions. Variants that disrupt the consensus splice site are a relatively common cause of aberrant splicing (PMID: 17576681, 9536098). Algorithms developed to predict the effect of sequence changes on RNA splicing suggest that this variant is not likely to affect RNA splicing. In summary, the available evidence is currently insufficient to determine the role of this variant in disease. Therefore, it has been classified as a Variant of Uncertain Significance.

Literature cited by the submitters: PubMed 17576681; PubMed 9536098.

NM_000548.5(TSC2):c.3814+6T>C

Gene: TSC2 (TSC complex subunit 2; plus strand). Cytogenetic location: 16p13.3.
Variant type: single nucleotide variant.
Coding change: c.3814+6T>C on transcript NM_000548.5 (MANE Select); 6 bases into the intron after coding-DNA position 3814, T replaced by C.
Molecular consequence: intron variant.
Genome position (GRCh38, 1-based): chr16:2,081,804, T>C. VCF-style: chr16-2081804-T-C. GRCh37 (hg19) VCF-style: chr16-2131805-T-C.
Other names: c.2341+6T>C (NM_001406693.1, NM_001406690.1, NM_001406692.1 and 1 more transcripts); c.3775+6T>C (NM_001406667.1); c.3772+6T>C (NM_001406668.1); c.3214+6T>C (NM_001406680.1, NM_001406683.1, NM_001406682.1); c.3082+6T>C (NM_001406687.1, NM_001318831.2, NM_001406688.1); c.2470+6T>C (NM_001406689.1); c.2338+6T>C (NM_001406691.1, NM_001406697.1, NM_001406695.1 and 1 more transcripts); c.2080+6T>C (NM_001406698.1); and 18 more.
Identifiers: ClinVar variation 3692899 (VCV003692899.2).